The following is an entry in ClinVar:

ClinVar aggregate classification (germline): Uncertain significance. Review status: criteria provided, multiple submitters, no conflicts (2 of 4 stars). 3 submissions from 3 submitters: Uncertain significance (3). Last evaluated 2023-10-03.

gnomAD v4.1: 3 of 1,613,858 alleles (0.00019%); highest among the groups gnomAD compares: African/African-American, 0.0013%; no homozygotes.

Submissions (3):

GeneDx
Classification: Uncertain significance. Last evaluated: 2023-10-03. Review status: criteria provided, single submitter. Criteria: GeneDx Variant Classification Process June 2021. Collection method: clinical testing. Allele origin: germline. Affected: yes.
Comment: Not observed at significant frequency in large population cohorts (gnomAD); In silico analysis supports that this missense variant has a deleterious effect on protein structure/function; Has not been previously published as pathogenic or benign to our knowledge

Labcorp Genetics (formerly Invitae), Labcorp
Classification: Uncertain significance. Last evaluated: 2022-05-12. Review status: criteria provided, single submitter. Criteria: Invitae Variant Classification Sherloc (09022015). Collection method: clinical testing. Allele origin: germline.
Comment: In summary, the available evidence is currently insufficient to determine the role of this variant in disease. Therefore, it has been classified as a Variant of Uncertain Significance. Algorithms developed to predict the effect of missense changes on protein structure and function are either unavailable or do not agree on the potential impact of this missense change (SIFT: "Deleterious"; PolyPhen-2: "Probably Damaging"; Align-GVGD: "Class C0"). This variant has not been reported in the literature in individuals affected with MYO5B-related conditions. This variant is present in population databases (rs777038090, gnomAD 0.0009%). This sequence change replaces arginine, which is basic and polar, with glycine, which is neutral and non-polar, at codon 824 of the MYO5B protein (p.Arg824Gly).

Blueprint Genetics
Classification: Uncertain significance. Last evaluated: 2021-06-05. Review status: criteria provided, single submitter. Criteria: ACMG Guidelines, 2015. Collection method: clinical testing. Allele origin: germline.

NM_001080467.3(MYO5B):c.2470C>G (p.Arg824Gly)

Gene: MYO5B (myosin VB; minus strand). Cytogenetic location: 18q21.1.
Variant type: single nucleotide variant.
Coding change: c.2470C>G on transcript NM_001080467.3 (MANE Select); coding-DNA position 2470, C replaced by G.
Protein change: p.Arg824Gly; replaces arginine 824 with glycine.
Molecular consequence: missense variant.
Genome position (GRCh38, 1-based): chr18:49,904,773, G>C on the plus strand (C>G on the coding strand, the complement: MYO5B is on the minus strand). VCF-style: chr18-49904773-G-C. GRCh37 (hg19) VCF-style: chr18-47431143-G-C.
Other names: c.2470C>G (NM_001080467.2); short protein forms R824G.
Identifiers: ClinVar variation 2416485 (VCV002416485.9), dbSNP rs777038090, ClinGen allele CA8961064.